The following is an entry in ClinVar:

ClinVar aggregate classification (germline): Uncertain significance (1 of 4 stars; one submission).

gnomAD v4.1: 1 of 1,614,012 alleles (0.000062%); highest among the groups gnomAD compares: Admixed American, 0.0017%; no homozygotes.

Submission:

Labcorp Genetics (formerly Invitae), Labcorp
Classification: Uncertain significance. Last evaluated: 2024-06-19. Review status: criteria provided, single submitter. Criteria: Invitae Variant Classification Sherloc (09022015). Collection method: clinical testing. Allele origin: germline.
Comment: This sequence change replaces aspartic acid, which is acidic and polar, with tyrosine, which is neutral and polar, at codon 4 of the BACH2 protein (p.Asp4Tyr). The frequency data for this variant in the population databases is considered unreliable, as metrics indicate poor data quality at this position in the gnomAD database. This variant has not been reported in the literature in individuals affected with BACH2-related conditions. Advanced modeling of protein sequence and biophysical properties (such as structural, functional, and spatial information, amino acid conservation, physicochemical variation, residue mobility, and thermodynamic stability) performed at Invitae indicates that this missense variant is not expected to disrupt BACH2 protein function with a negative predictive value of 80%. In summary, the available evidence is currently insufficient to determine the role of this variant in disease. Therefore, it has been classified as a Variant of Uncertain Significance.

NM_021813.4(BACH2):c.10G>T (p.Asp4Tyr)

Gene: BACH2 (BACH transcriptional regulator 2; minus strand). Cytogenetic location: 6q15.
Variant type: single nucleotide variant.
Coding change: c.10G>T on transcript NM_021813.4 (MANE Select); coding-DNA position 10, G replaced by T.
Protein change: p.Asp4Tyr; replaces aspartic acid 4 with tyrosine.
Molecular consequence: missense variant.
Genome position (GRCh38, 1-based): chr6:90,008,835, C>A on the plus strand (G>T on the coding strand, the complement: BACH2 is on the minus strand). VCF-style: chr6-90008835-C-A. GRCh37 (hg19) VCF-style: chr6-90718554-C-A.
Other names: c.10G>T, p.Asp4Tyr (NM_001170794.2); short protein forms D4Y.
Identifiers: ClinVar variation 3657101 (VCV003657101.2).